The following is an entry in ClinVar:

ClinVar aggregate classification (germline): Benign (1 of 4 stars; one submission).

Submission:

Mayo Clinic Laboratories, Mayo Clinic
Classification: Benign. Last evaluated: 2024-08-19. Review status: criteria provided, single submitter. Criteria: ACMG Guidelines, 2015. Collection method: clinical testing. Allele origin: germline. Observed: 25 variant alleles.
Comment: BA1, BP4, BP7

NM_014498.5(GOLIM4):c.313-10dup

Gene: GOLIM4 (golgi integral membrane protein 4; minus strand). Cytogenetic location: 3q26.2.
Variant type: Duplication.
Coding change: c.313-10dup on transcript NM_014498.5 (MANE Select); 10 bases into the intron before coding-DNA position 313, one base duplicated (T; older notation c.313-10dupT).
Molecular consequence: intron variant.
Genome position (GRCh38, 1-based): chr3:168,044,891, A duplicated on the plus strand (T on the coding strand, the reverse complement: GOLIM4 is on the minus strand); the first of 12 consecutive A bases (chr3:168,044,891-168,044,902); duplicating any one gives the same sequence. VCF-style (leftmost placement, unchanged base first): chr3-168044890-C-CA. GRCh37 (hg19) VCF-style: chr3-167762678-C-CA.
Other names: p.?; c.313-10dup (NM_001308155.2).
Identifiers: ClinVar variation 4684738 (VCV004684738.1).